The following is an entry in ClinVar:

ClinVar aggregate classification (germline): Conflicting classifications of pathogenicity. Review status: criteria provided, conflicting classifications (1 of 4 stars). 3 submissions from 3 submitters: Uncertain significance (2); Likely benign (1). Last evaluated 2026-07-01.

Conditions:
Aicardi-Goutieres syndrome 2. Identifiers: Orphanet 51, MedGen C3489724, MONDO:0012429, OMIM 610181.

Allele frequency attached by ClinVar (database versions not stated): gnomAD 0.00001 and 0.00003; gnomAD exomes 0.00007; ExAC 0.00008; 1000 Genomes Project 30x 0.00016; 1000 Genomes Project 0.00020; TOPMed below 0.00001.
gnomAD v4.1: 67 of 1,601,226 alleles (0.0042%); highest among the groups gnomAD compares: South Asian, 0.068%; 2 homozygotes.

Submissions (3):

CeGaT Center for Human Genetics Tuebingen
Classification: Likely benign. Last evaluated: 2026-07-01. Review status: criteria provided, single submitter. Criteria: CeGaT Center For Human Genetics Tuebingen Variant Classification Criteria Version 2. Collection method: clinical testing. Allele origin: germline. Affected: yes. Observed: 1 variant allele.
Comment: RNASEH2B: BS2

Labcorp Genetics (formerly Invitae), Labcorp
Classification: Uncertain significance for Aicardi-Goutieres syndrome 2. Last evaluated: 2022-07-27. Review status: criteria provided, single submitter. Criteria: Invitae Variant Classification Sherloc (09022015). Collection method: clinical testing. Allele origin: germline.
Comment: This sequence change replaces methionine, which is neutral and non-polar, with threonine, which is neutral and polar, at codon 31 of the RNASEH2B protein (p.Met31Thr). This variant is present in population databases (rs542600186, gnomAD 0.06%). This variant has not been reported in the literature in individuals affected with RNASEH2B-related conditions. ClinVar contains an entry for this variant (Variation ID: 881620). Algorithms developed to predict the effect of missense changes on protein structure and function output the following: SIFT: "Tolerated"; PolyPhen-2: "Benign"; Align-GVGD: "Class C0". The threonine amino acid residue is found in multiple mammalian species, which suggests that this missense change does not adversely affect protein function. In summary, the available evidence is currently insufficient to determine the role of this variant in disease. Therefore, it has been classified as a Variant of Uncertain Significance.

Illumina Laboratory Services, Illumina
Classification: Uncertain significance for Aicardi-Goutieres syndrome 2. Last evaluated: 2018-01-13. Review status: criteria provided, single submitter. Criteria: ICSL Variant Classification Criteria 13 December 2019. Collection method: clinical testing. Allele origin: germline.

NM_024570.4(RNASEH2B):c.92T>C (p.Met31Thr)

Gene: RNASEH2B (ribonuclease H2 subunit B; plus strand). Cytogenetic location: 13q14.3.
Variant type: single nucleotide variant.
Coding change: c.92T>C on transcript NM_024570.4 (MANE Select); coding-DNA position 92, T replaced by C.
Protein change: p.Met31Thr; replaces methionine 31 with threonine.
Molecular consequence: missense variant.
Genome position (GRCh38, 1-based): chr13:50,927,434, T>C. VCF-style: chr13-50927434-T-C. GRCh37 (hg19) VCF-style: chr13-51501570-T-C.
Other names: c.92T>C, p.Met31Thr (NM_001142279.2); short protein forms M31T.
Identifiers: ClinVar variation 881620 (VCV000881620.8), dbSNP rs542600186, ClinGen allele CA6985438.